The following is an entry in ClinVar:

NM_014363.6(SACS):c.99T>C (p.Asp33=)

Genes: SACS (sacsin molecular chaperone; minus strand), LOC130009366 (ATAC-STARR-seq lymphoblastoid silent region 5172; plus strand). Cytogenetic location: 13q12.12.
Variant type: single nucleotide variant.
Coding change: c.99T>C on transcript NM_014363.6 (MANE Select); coding-DNA position 99, T replaced by C.
Protein change: p.Asp33=; no amino-acid change (aspartic acid 33 retained).
Molecular consequence: synonymous variant. On other transcripts: 5 prime UTR variant (1).
Genome position (GRCh38, 1-based): chr13:23,375,191, A>G on the plus strand (T>C on the coding strand, the complement: SACS is on the minus strand). VCF-style: chr13-23375191-A-G. GRCh37 (hg19) VCF-style: chr13-23949330-A-G.
Other names: c.-255T>C (NM_001278055.2).
Identifiers: ClinVar variation 311573 (VCV000311573.64), dbSNP rs775206528, ClinGen allele CA6912185.

ClinVar aggregate classification (germline): Conflicting classifications of pathogenicity. Review status: criteria provided, conflicting classifications (1 of 4 stars). 8 submissions from 8 submitters: Uncertain significance (1); Benign (1); Likely benign (5). 1 of the submissions does not count toward it. Last evaluated 2026-09-01.

Conditions:
Spastic paraplegia. Identifiers: MedGen C0037772, HP:0001258.
Charlevoix-Saguenay spastic ataxia (SACS). Also called: SPASTIC ATAXIA 6, AUTOSOMAL RECESSIVE; AUTOSOMAL RECESSIVE SPASTIC ATAXIA OF CHARLEVOIX-SAGUENAY; Spastic ataxia of Charlevoix-Saguenay. Identifiers: Orphanet 98, MedGen C1849140, MONDO:0010041, OMIM 270550.
SACS-related disorder. Also called: SACS-related condition.

Allele frequency attached by ClinVar (database versions not stated): ExAC below 0.00001; TOPMed 0.00012; gnomAD exomes 0.00014 and 0.00024; gnomAD 0.00016 and 0.00019.
gnomAD v4.1: 222 of 1,505,584 alleles (0.015%); highest among the groups gnomAD compares: Non-Finnish European, 0.011%; 1 homozygote.

Submissions (8):

CeGaT Center for Human Genetics Tuebingen
Classification: Likely benign. Last evaluated: 2026-09-01. Review status: criteria provided, single submitter. Criteria: CeGaT Center For Human Genetics Tuebingen Variant Classification Criteria Version 2. Collection method: clinical testing. Allele origin: germline. Affected: yes. Observed: 8 variant alleles.
Comment: SACS: BP4, BP7

PreventionGenetics, part of Exact Sciences
Classification: Likely benign for SACS-related condition. Last evaluated: 2026-03-05. Review status: criteria provided, single submitter. Criteria: ACMG Guidelines, 2015. Collection method: clinical testing. Allele origin: germline.
Comment: This variant is classified as likely benign based on ACMG/AMP sequence variant interpretation guidelines (Richards et al. 2015 PMID: 25741868, with internal and published modifications).

Labcorp Genetics (formerly Invitae), Labcorp
Classification: Likely benign for Spastic paraplegia. Last evaluated: 2026-01-19. Review status: criteria provided, single submitter. Criteria: Invitae Variant Classification Sherloc (09022015). Collection method: clinical testing. Allele origin: germline.

Athena Diagnostics
Classification: Benign. Last evaluated: 2025-02-14. Review status: criteria provided, single submitter. Criteria: Athena Diagnostics Criteria. Collection method: clinical testing. Allele origin: unknown.
Comment: The frequency of this variant in the general population is higher than would generally be expected for pathogenic variants in this gene. Computational tools yielded predictions that this variant is unlikely to have an effect on normal RNA splicing. This nucleotide position exhibits low evolutionary conservation.

Blueprint Genetics
Classification: Likely benign. Last evaluated: 2024-09-23. Review status: criteria provided, single submitter. Criteria: ACMG Guidelines, 2015. Collection method: clinical testing. Allele origin: germline.

Genome-Nilou Lab
Classification: Likely benign for Charlevoix-Saguenay spastic ataxia. Last evaluated: 2021-09-05. Review status: criteria provided, single submitter. Criteria: ACMG Guidelines, 2015. Collection method: clinical testing. Allele origin: germline. Affected: no.

Illumina Laboratory Services, Illumina
Classification: Uncertain significance for Charlevoix-Saguenay spastic ataxia. Last evaluated: 2018-01-12. Review status: criteria provided, single submitter. Criteria: ICSL Variant Classification Criteria 13 December 2019. Collection method: clinical testing. Allele origin: germline.

Natera, Inc.
Classification: Likely benign for Charlevoix-Saguenay type spastic ataxia. Last evaluated: 2020-05-02. Review status: no assertion criteria provided. Collection method: clinical testing. Allele origin: germline. Not counted in ClinVar's aggregate classification.